The following is an entry in ClinVar:

ClinVar aggregate classification (germline): Uncertain significance (1 of 4 stars; one submission).

Conditions:
Leigh syndrome (NULS). Also called: Leigh's necrotizing encephalopathy; Leigh's disease; Leigh Syndrome (mtDNA deletion); Leigh Disease; Subacute necrotizing encephalopathy; Necrotizing encephalopathy infantile subacute of Leigh. Identifiers: Orphanet 506, MedGen C2931891, MONDO:0009723, OMIM 256000.

Submission:

Wong Mito Lab, Molecular and Human Genetics, Baylor College of Medicine
Classification: Uncertain significance for Leigh syndrome. Last evaluated: 2019-10-17. Review status: criteria provided, single submitter. Criteria: Modified ACMG Guidelines (Unpublished). Collection method: clinical testing. Allele origin: germline.
Comment: The NC_012920.1:m.4749T>C (YP_003024027.1:p.Ser94Pro) variant in MTND2 gene is interpretated to be a Uncertain Significance variant based on the modified ACMG guidelines (unpublished). This variant meets the following evidence codes: BP4

NC_012920.1(MT-ND2):m.4749T>C

Gene: MT-ND2 (mitochondrially encoded NADH dehydrogenase 2; plus strand).
Variant type: single nucleotide variant.
Genome position: chrM-4749-T-C.
Identifiers: ClinVar variation 692496 (VCV000692496.1), dbSNP rs1603219596, ClinGen allele CA414775615.
Genomic context (GRCh38, chrMT:4,749, plus strand): 5'-ATCCTCTTCAACAATATACTCTCCGGACAATGAACCATAACCAATACTACCAATCAATAC[T>C]CATCATTAATAATCATAATAGCTATAGCAATAAAACTAGGAATAGCCCCCTTTCACTTCT-3'